The following is an entry in ClinVar:

NM_020442.6(VARS2):c.1933-21T>C

Genes: VARS2 (valyl-tRNA synthetase 2, mitochondrial; plus strand), LOC126859646 (MED14-independent group 3 enhancer GRCh37_chr6:30889690-30890889; plus strand). Cytogenetic location: 6p21.33.
Variant type: single nucleotide variant.
Coding change: c.1933-21T>C on transcript NM_020442.6 (MANE Select); 21 bases into the intron before coding-DNA position 1933, T replaced by C.
Molecular consequence: intron variant.
Genome position (GRCh38, 1-based): chr6:30,922,429, T>C. VCF-style: chr6-30922429-T-C. GRCh37 (hg19) VCF-style: chr6-30890206-T-C.
Other names: p.?; c.2023-21T>C (NM_001167734.2, NM_001167734.1); c.1513-21T>C (NM_001167733.3).
Identifiers: ClinVar variation 1250156 (VCV001250156.5), dbSNP rs887381, ClinGen allele CA3706102.

ClinVar aggregate classification (germline): Benign. Review status: criteria provided, multiple submitters, no conflicts (2 of 4 stars). 3 submissions from 3 submitters: Benign (3). Last evaluated 2024-07-31.

Allele frequency attached by ClinVar (database versions not stated): ESP Exome Variant Server 0.29388; ExAC 0.32457; 1000 Genomes Project 30x 0.22033; 1000 Genomes Project 0.22165; TOPMed 0.26290; gnomAD 0.27971 and 0.27883; gnomAD exomes 0.34059 and 0.31602.
gnomAD v4.1: 537,167 of 1,609,390 alleles (33%); highest among the groups gnomAD compares: Non-Finnish European, 36%; 93,365 homozygotes.

Submissions (3):

Unidad de Genómica Garrahan, Hospital de Pediatría Garrahan
Classification: Benign. Last evaluated: 2024-07-31. Review status: criteria provided, single submitter. Criteria: ACMG Guidelines, 2015. Collection method: clinical testing. Allele origin: germline. Affected: no. Observed: 47 variant alleles.
Comment: This variant is classified as Benign based on local population frequency. This variant was detected in 51% of patients studied in a panel designed for Epileptic and Developmental Encephalopathy, Progressive Myoclonus Epilepsy and Abnormal Movements and Neurodegeneration with brain iron accumulation. Number of patients: 47. Only high quality variants are reported.

Mayo Clinic Laboratories, Mayo Clinic
Classification: Benign. Last evaluated: 2022-02-03. Review status: criteria provided, single submitter. Criteria: ACMG Guidelines, 2015. Collection method: clinical testing. Allele origin: germline. Observed: 7 variant alleles.

GeneDx
Classification: Benign. Last evaluated: 2018-06-23. Review status: criteria provided, single submitter. Criteria: GeneDx Variant Classification Process June 2021. Collection method: clinical testing. Allele origin: germline. Affected: yes.